The following is an entry in ClinVar:

ClinVar aggregate classification (germline): Benign. Review status: criteria provided, multiple submitters, no conflicts (2 of 4 stars). 3 submissions from 3 submitters: Benign (3). Last evaluated 2024-01-24.

Conditions:
Immunodeficiency 79. Also called: CD4 deficiency. Identifiers: MedGen C5543220, MONDO:0030981, OMIM 619238.

Allele frequency attached by ClinVar (database versions not stated): gnomAD 0.99999 and 1.00000; TOPMed 0.99999; 1000 Genomes Project 1.00000; 1000 Genomes Project 30x 1.00000.

Submissions (3):

Unidad de Genómica Garrahan, Hospital de Pediatría Garrahan
Classification: Benign. Last evaluated: 2024-01-24. Review status: criteria provided, single submitter. Criteria: ACMG Guidelines, 2015. Collection method: clinical testing. Allele origin: germline. Affected: no. Observed: 95 variant alleles.
Comment: This variant is classified as Benign based on local population frequency. This variant was detected in 100% of patients studied by a panel of primary immunodeficiencies. Number of patients: 95. Only high quality variants are reported.

Genome-Nilou Lab
Classification: Benign for Immunodeficiency 79. Last evaluated: 2021-07-14. Review status: criteria provided, single submitter. Criteria: ACMG Guidelines, 2015. Collection method: clinical testing. Allele origin: germline. Affected: no.

Breakthrough Genomics
Classification: Benign. Review status: criteria provided, single submitter. Criteria: ACMG Guidelines, 2015. Collection method: not provided. Allele origin: germline. Inheritance: Autosomal recessive inheritance. Affected: yes.

NM_000616.5(CD4):c.*91C>A

Gene: CD4 (CD4 molecule; plus strand). Cytogenetic location: 12p13.31.
Variant type: single nucleotide variant.
Coding change: c.*91C>A on transcript NM_000616.5 (MANE Select); 91 bases downstream of the stop codon, C replaced by A.
Molecular consequence: 3 prime UTR variant.
Genome position (GRCh38, 1-based): chr12:6,819,420, C>A. VCF-style: chr12-6819420-C-A. GRCh37 (hg19) VCF-style: chr12-6928586-C-A.
Other names: c.*91C>A (NM_001195014.3, NM_001195015.3, NM_001195016.3 and 5 more transcripts).
Identifiers: ClinVar variation 1192709 (VCV001192709.5), dbSNP rs7136817, ClinGen allele CA232429413.